The following is an entry in ClinVar:

ClinVar aggregate classification (germline): Uncertain significance (1 of 4 stars; one submission).

Allele frequency attached by ClinVar (database versions not stated): gnomAD 0.00003 and 0.00004; ExAC 0.00004; TOPMed 0.00004; gnomAD exomes 0.00005 and 0.00007; ESP Exome Variant Server 0.00008.
gnomAD v4.1: 109 of 1,611,358 alleles (0.0068%); highest among the groups gnomAD compares: Non-Finnish European, 0.0089%; no homozygotes.

Submission:

Labcorp Genetics (formerly Invitae), Labcorp
Classification: Uncertain significance. Last evaluated: 2025-03-17. Review status: criteria provided, single submitter. Criteria: Invitae Variant Classification Sherloc (09022015). Collection method: clinical testing. Allele origin: germline.
Comment: This sequence change affects codon 171 of the CA4 mRNA. It is a 'silent' change, meaning that it does not change the encoded amino acid sequence of the CA4 protein. This variant also falls at the last nucleotide of exon 5, which is part of the consensus splice site for this exon. This variant is present in population databases (rs368617056, gnomAD 0.01%). This variant has not been reported in the literature in individuals affected with CA4-related conditions. ClinVar contains an entry for this variant (Variation ID: 954923). Variants that disrupt the consensus splice site are a relatively common cause of aberrant splicing (PMID: 17576681, 9536098). Algorithms developed to predict the effect of sequence changes on RNA splicing suggest that this variant may disrupt the consensus splice site. In summary, the available evidence is currently insufficient to determine the role of this variant in disease. Therefore, it has been classified as a Variant of Uncertain Significance.

Literature cited by the submitters: PubMed 17576681; PubMed 9536098.

NM_000717.5(CA4):c.513G>A (p.Glu171=)

Gene: CA4 (carbonic anhydrase 4; plus strand). Cytogenetic location: 17q23.1.
Variant type: single nucleotide variant.
Coding change: c.513G>A on transcript NM_000717.5 (MANE Select); coding-DNA position 513, G replaced by A.
Protein change: p.Glu171=; no amino-acid change (glutamic acid 171 retained).
Molecular consequence: synonymous variant. On other transcripts: non-coding transcript variant (1).
Genome position (GRCh38, 1-based): chr17:60,157,788, G>A. VCF-style: chr17-60157788-G-A. GRCh37 (hg19) VCF-style: chr17-58235149-G-A.
Identifiers: ClinVar variation 954923 (VCV000954923.7), dbSNP rs368617056, ClinGen allele CA8685382.